The following is an entry in ClinVar:

NM_024422.6(DSC2):c.859C>T (p.Gln287Ter)

Gene: DSC2 (desmocollin 2; minus strand). Cytogenetic location: 18q12.1.
Variant type: single nucleotide variant.
Coding change: c.859C>T on transcript NM_024422.6 (MANE Select); coding-DNA position 859, C replaced by T.
Protein change: p.Gln287Ter; replaces glutamine 287 with a stop codon.
Molecular consequence: nonsense.
Genome position (GRCh38, 1-based): chr18:31,086,659, G>A on the plus strand (C>T on the coding strand, the complement: DSC2 is on the minus strand). VCF-style: chr18-31086659-G-A. GRCh37 (hg19) VCF-style: chr18-28666622-G-A.
Other names: c.430C>T, p.Gln144Ter (NM_001406506.1, NM_001406507.1); c.859C>T, p.Gln287Ter (NM_004949.5); short protein forms Q144*, Q287*.
Identifiers: ClinVar variation 3773844 (VCV003773844.1).

ClinVar aggregate classification (germline): Likely pathogenic (1 of 4 stars; one submission).

Conditions:
DSC2-related disorder. Also called: DSC2-related condition.

gnomAD v4.1: 1 of 1,614,138 alleles (0.000062%); highest among the groups gnomAD compares: South Asian, 0.0011%; no homozygotes.

Submission:

Rady Children's Institute for Genomic Medicine, Rady Children's Hospital San Diego
Classification: Likely pathogenic for DSC2-related disorder. Last evaluated: 2024-10-25. Review status: criteria provided, single submitter. Criteria: ACMG Guidelines, 2015. Collection method: clinical testing. Allele origin: germline. Affected: yes.
Comment: This nonsense variant found in exon 7 of 16 is predicted to result in loss of normal protein function through either protein truncation or nonsense-mediated mRNA decay. Loss-of-function variation in DSC2 is an established mechanism of disease (PMID: 23911551). This variant has not been previously reported or functionally characterized in the literature to our knowledge. The c.859C>T (p.Gln287Ter) variant is present in the latest version of the gnomAD population database at an allele frequency of 0.0001% (1/1614138) and thus is presumed to be rare. Based on the available evidence, c.859C>T (p.Gln287Ter) is classified as Likely Pathogenic.